The following is an entry in ClinVar:

ClinVar aggregate classification (germline): Uncertain significance. Review status: criteria provided, multiple submitters, no conflicts (2 of 4 stars). 2 submissions from 2 submitters: Uncertain significance (2). Last evaluated 2024-11-11.

Conditions:
Inborn genetic diseases. Identifiers: MedGen C0950123, MeSH D030342.
Trichohepatoenteric syndrome. Also called: Syndromic diarrhea; Tricho-hepato-enteric syndrome; THE SYNDROME. Identifiers: Orphanet 84064, MedGen C1857276, MONDO:0009105.

Allele frequency attached by ClinVar (database versions not stated): ExAC 0.00004; gnomAD 0.00004 and 0.00003; TOPMed 0.00005; gnomAD exomes 0.00006.
gnomAD v4.1: 48 of 1,612,970 alleles (0.003%); highest among the groups gnomAD compares: Admixed American, 0.0083%; no homozygotes.

Submissions (2):

Labcorp Genetics (formerly Invitae), Labcorp
Classification: Uncertain significance. Last evaluated: 2024-11-11. Review status: criteria provided, single submitter. Criteria: Invitae Variant Classification Sherloc (09022015). Collection method: clinical testing. Allele origin: germline.
Comment: This sequence change replaces alanine, which is neutral and non-polar, with valine, which is neutral and non-polar, at codon 25 of the TTC37 protein (p.Ala25Val). This variant is present in population databases (rs771387837, gnomAD 0.02%). This variant has not been reported in the literature in individuals affected with TTC37-related conditions. ClinVar contains an entry for this variant (Variation ID: 1428562). An algorithm developed to predict the effect of missense changes on protein structure and function (PolyPhen-2) suggests that this variant¬†is likely to be tolerated. In summary, the available evidence is currently insufficient to determine the role of this variant in disease. Therefore, it has been classified as a Variant of Uncertain Significance.

Ambry Genetics
Classification: Uncertain significance for Inborn genetic diseases. Last evaluated: 2023-06-23. Review status: criteria provided, single submitter. Criteria: Ambry Variant Classification Scheme 2023. Collection method: clinical testing. Allele origin: germline.

NM_014639.4(SKIC3):c.74C>T (p.Ala25Val)

Gene: SKIC3 (SKI3 subunit of superkiller complex; minus strand). Cytogenetic location: 5q15.
Variant type: single nucleotide variant.
Coding change: c.74C>T on transcript NM_014639.4 (MANE Select); coding-DNA position 74, C replaced by T.
Protein change: p.Ala25Val; replaces alanine 25 with valine.
Molecular consequence: missense variant.
Genome position (GRCh38, 1-based): chr5:95,547,077, G>A on the plus strand (C>T on the coding strand, the complement: SKIC3 is on the minus strand). VCF-style: chr5-95547077-G-A. GRCh37 (hg19) VCF-style: chr5-94882781-G-A.
Other names: c.74C>T (NM_014639.3); short protein forms A25V.
Identifiers: ClinVar variation 1428562 (VCV001428562.6), dbSNP rs771387837, ClinGen allele CA3347724.